The following is an entry in ClinVar:

ClinVar aggregate classification (germline): Uncertain significance (1 of 4 stars; one submission).

Conditions:
Oligodontia-cancer predisposition syndrome. Also called: TOOTH AGENESIS-COLORECTAL CANCER SYNDROME. Identifiers: Orphanet 300576, MedGen C1837750, MONDO:0012075, OMIM 608615. Disease mechanism: loss of function.

Submission:

Labcorp Genetics (formerly Invitae), Labcorp
Classification: Uncertain significance for Oligodontia-cancer predisposition syndrome. Last evaluated: 2024-11-15. Review status: criteria provided, single submitter. Criteria: Invitae Variant Classification Sherloc (09022015). Collection method: clinical testing. Allele origin: germline.
Comment: This sequence change falls in intron 5 of the AXIN2 gene. It does not directly change the encoded amino acid sequence of the AXIN2 protein. It affects a nucleotide within the consensus splice site. Information on the frequency of this variant in the gnomAD database is not available, as this variant may be reported differently in the database. This variant has not been reported in the literature in individuals affected with AXIN2-related conditions. Variants that disrupt the consensus splice site are a relatively common cause of aberrant splicing (PMID: 17576681, 9536098). In summary, the available evidence is currently insufficient to determine the role of this variant in disease. Therefore, it has been classified as a Variant of Uncertain Significance.

Literature cited by the submitters: PubMed 17576681; PubMed 9536098.

NM_004655.4(AXIN2):c.1200+6_1200+7delinsAA

Gene: AXIN2 (axin 2; minus strand). Cytogenetic location: 17q24.1.
Variant type: Indel.
Coding change: c.1200+6_1200+7delinsAA on transcript NM_004655.4 (MANE Select); bases 6 to 7 of the intron after coding-DNA position 1200, GC replaced by AA.
Molecular consequence: intron variant.
Genome position (GRCh38, 1-based): chr17:65,538,196-65,538,197, GC replaced by TT on the plus strand (GC replaced by AA on the coding strand, the reverse complement: AXIN2 is on the minus strand). VCF-style: chr17-65538196-GC-TT. GRCh37 (hg19) VCF-style: chr17-63534314-GC-TT.
Other names: c.1200+6_1200+7delinsAA (NM_001363813.1).
Identifiers: ClinVar variation 3725284 (VCV003725284.2).